The following is an entry in ClinVar:

ClinVar aggregate classification (germline): Uncertain significance (1 of 4 stars; one submission).

Allele frequency attached by ClinVar (database versions not stated): gnomAD exomes below 0.00001; ExAC 0.00002; TOPMed 0.00002.
gnomAD v4.1: 6 of 1,612,850 alleles (0.00037%); highest among the groups gnomAD compares: East Asian, 0.0022%; no homozygotes.

Submission:

Labcorp Genetics (formerly Invitae), Labcorp
Classification: Uncertain significance. Last evaluated: 2022-10-17. Review status: criteria provided, single submitter. Criteria: Invitae Variant Classification Sherloc (09022015). Collection method: clinical testing. Allele origin: germline.
Comment: This sequence change replaces arginine, which is basic and polar, with glutamine, which is neutral and polar, at codon 1891 of the ASPM protein (p.Arg1891Gln). In summary, the available evidence is currently insufficient to determine the role of this variant in disease. Therefore, it has been classified as a Variant of Uncertain Significance. Algorithms developed to predict the effect of missense changes on protein structure and function output the following: SIFT: "Deleterious"; PolyPhen-2: "Probably Damaging"; Align-GVGD: "Class C35". The glutamine amino acid residue is found in multiple mammalian species, which suggests that this missense change does not adversely affect protein function. This variant has not been reported in the literature in individuals affected with ASPM-related conditions. This variant is present in population databases (rs755221660, gnomAD 0.006%).

NM_018136.5(ASPM):c.5672G>A (p.Arg1891Gln)

Gene: ASPM (assembly factor for spindle microtubules; minus strand). Cytogenetic location: 1q31.3.
Variant type: single nucleotide variant.
Coding change: c.5672G>A on transcript NM_018136.5 (MANE Select); coding-DNA position 5672, G replaced by A.
Protein change: p.Arg1891Gln; replaces arginine 1891 with glutamine.
Molecular consequence: missense variant. On other transcripts: intron variant (1).
Genome position (GRCh38, 1-based): chr1:197,103,579, C>T on the plus strand (G>A on the coding strand, the complement: ASPM is on the minus strand). VCF-style: chr1-197103579-C-T. GRCh37 (hg19) VCF-style: chr1-197072709-C-T.
Other names: c.4066-7415G>A (NM_001206846.2); short protein forms R1891Q.
Identifiers: ClinVar variation 2179842 (VCV002179842.4), dbSNP rs755221660, ClinGen allele CA1309711.